The following is an entry in ClinVar:

ClinVar aggregate classification (germline): Likely benign (1 of 4 stars; one submission).

gnomAD v4.1: 16 of 1,600,100 alleles (0.001%); highest among the groups gnomAD compares: East Asian, 0.0067%; no homozygotes.

Submission:

CeGaT Center for Human Genetics Tuebingen
Classification: Likely benign. Last evaluated: 2025-09-01. Review status: criteria provided, single submitter. Criteria: CeGaT Center For Human Genetics Tuebingen Variant Classification Criteria Version 2. Collection method: clinical testing. Allele origin: germline. Affected: yes. Observed: 1 variant allele.
Comment: CENPF: BP4, BP7

NM_016343.4(CENPF):c.3624G>A (p.Ala1208=)

Gene: CENPF (centromere protein F; plus strand). Cytogenetic location: 1q41.
Variant type: single nucleotide variant.
Coding change: c.3624G>A on transcript NM_016343.4 (MANE Select); coding-DNA position 3624, G replaced by A.
Protein change: p.Ala1208=; no amino-acid change (alanine 1208 retained).
Molecular consequence: synonymous variant.
Genome position (GRCh38, 1-based): chr1:214,641,962, G>A. VCF-style: chr1-214641962-G-A. GRCh37 (hg19) VCF-style: chr1-214815305-G-A.
Identifiers: ClinVar variation 4281160 (VCV004281160.7).
Genomic context (GRCh38, chr1:214,641,962, plus strand): 5'-TAATTTTAAACCTCAGATGGATCTTGAAGTTAAAGAAATTTCTCTAGATAGTTATAATGC[G>A]CAGTTGGTGCAATTAGAAGCTATGCTAAGAAATAAGGAATTAAAACTTCAGGAAAGTGAG-3'
Protein context (NP_057427.3, residues 1198-1218): VKEISLDSYN[Ala1208=]QLVQLEAMLR